The following is an entry in ClinVar:

ClinVar aggregate classification (germline): Likely pathogenic (1 of 4 stars; one submission).

Conditions:
Neuropathy, hereditary sensory, type 2C. Also called: KIF1A-Related HSAN2 (HSAN2C); Hereditary sensory and autonomic neuropathy type IIC. Identifiers: Orphanet 970, MedGen C3280168, MONDO:0013634, OMIM 614213.
Hereditary spastic paraplegia 30. Identifiers: Orphanet 101010, MedGen C5235139, MONDO:0012476.
Intellectual disability, autosomal dominant 9 (NESCAVS). Also called: KIF1A-Related Neurodevelopmental Disorder; NESCAV SYNDROME. Identifiers: Orphanet 662367, MedGen C5393830, MONDO:0013656, OMIM 614255.

Submission:

Labcorp Genetics (formerly Invitae), Labcorp
Classification: Likely pathogenic for Hereditary spastic paraplegia 30; Neuropathy, hereditary sensory, type 2C; Intellectual disability, autosomal dominant 9. Last evaluated: 2025-04-09. Review status: criteria provided, single submitter. Criteria: Invitae Variant Classification Sherloc (09022015). Collection method: clinical testing. Allele origin: germline.
Comment: This sequence change affects a donor splice site in intron 8 of the KIF1A gene. It is expected to disrupt RNA splicing. Variants that disrupt the donor or acceptor splice site typically lead to a loss of protein function (PMID: 16199547), and loss-of-function variants in KIF1A are known to be pathogenic (PMID: 21820098). This variant is not present in population databases (gnomAD no frequency). This variant has not been reported in the literature in individuals affected with KIF1A-related conditions. Algorithms developed to predict the effect of sequence changes on RNA splicing suggest that this variant may disrupt the consensus splice site. In summary, the currently available evidence indicates that the variant is pathogenic, but additional data are needed to prove that conclusively. Therefore, this variant has been classified as Likely Pathogenic.

Literature cited by the submitters: PubMed 16199547; PubMed 21820098.

NM_001244008.2(KIF1A):c.864+2T>G

Gene: KIF1A (kinesin family member 1A; minus strand). Cytogenetic location: 2q37.3.
Variant type: single nucleotide variant.
Coding change: c.864+2T>G on transcript NM_001244008.2 (MANE Select); the canonical splice donor site of the intron after coding-DNA position 864, T replaced by G.
Molecular consequence: splice donor variant.
Genome position (GRCh38, 1-based): chr2:240,783,042, A>C on the plus strand (T>G on the coding strand, the complement: KIF1A is on the minus strand). VCF-style: chr2-240783042-A-C. GRCh37 (hg19) VCF-style: chr2-241722459-A-C.
Other names: c.864+2T>G (NM_001379653.1, NM_001379650.1, NM_001379645.1 and 20 more transcripts).
Identifiers: ClinVar variation 4784655 (VCV004784655.1).
Genomic context (GRCh38, chr2:240,783,042, plus strand): 5'-CAGGATGGGGCGCCAAAGACCCTCTGGGGTTCTGGCTATGGAAGCCGGGCCGGGCCACTC[A>C]CCATTTCAGCCAGGGCGGAGATGACCTTGCCCAGGGTGGTCAGCGACTTGTTGATGTTGG-3'